The following is an entry in ClinVar:

ClinVar aggregate classification (germline): Conflicting classifications of pathogenicity. Review status: criteria provided, conflicting classifications (1 of 4 stars). 4 submissions from 4 submitters: Uncertain significance (2); Likely benign (2). Last evaluated 2025-08-02.

Conditions:
Inborn genetic diseases. Identifiers: MedGen C0950123, MeSH D030342.
Pseudohypoaldosteronism type 2B (PHA2B). Also called: Pseudohypoaldosteronism Type IIB. Identifiers: Orphanet 757, Orphanet 88939, MedGen C1840390, MONDO:0013777, OMIM 614491.

Allele frequency attached by ClinVar (database versions not stated): ExAC 0.00005; gnomAD 0.00006; TOPMed 0.00007.
gnomAD v4.1: 95 of 1,613,190 alleles (0.0059%); highest among the groups gnomAD compares: African/African-American, 0.0067%; no homozygotes.

Submissions (4):

Ambry Genetics
Classification: Uncertain significance for Inborn genetic diseases. Last evaluated: 2025-08-02. Review status: criteria provided, single submitter. Criteria: Ambry Variant Classification Scheme 2023. Collection method: clinical testing. Allele origin: germline.

Labcorp Genetics (formerly Invitae), Labcorp
Classification: Likely benign. Last evaluated: 2025-04-28. Review status: criteria provided, single submitter. Criteria: Invitae Variant Classification Sherloc (09022015). Collection method: clinical testing. Allele origin: germline.

Department of Pathology and Laboratory Medicine, Sinai Health System
Classification: Uncertain significance for Pseudohypoaldosteronism type 2B. Last evaluated: 2021-07-30. Review status: criteria provided, single submitter. Criteria: ACMG Guidelines, 2015. Collection method: research. Allele origin: germline.

Illumina Laboratory Services, Illumina
Classification: Likely benign for Pseudohypoaldosteronism type 2B. Last evaluated: 2018-01-13. Review status: criteria provided, single submitter. Criteria: ICSL Variant Classification Criteria 13 December 2019. Collection method: clinical testing. Allele origin: germline.
Comment: This variant was observed in the ICSL laboratory as part of a predisposition screen in an ostensibly healthy population. It had not been previously curated by ICSL or reported in the Human Gene Mutation Database (HGMD: prior to June 1st, 2018), and was therefore a candidate for classification through an automated scoring system. Utilizing variant allele frequency, disease prevalence and penetrance estimates, and inheritance mode, an automated score was calculated to assess if this variant is too frequent to cause the disease. Based on the score and internal cut-off values, a variant classified as likely benign is not then subjected to further curation. The score for this variant resulted in a classification of likely benign for this disease.

NM_032387.5(WNK4):c.2005C>T (p.Arg669Trp)

Gene: WNK4 (WNK lysine deficient protein kinase 4; plus strand). Cytogenetic location: 17q21.2.
Variant type: single nucleotide variant.
Coding change: c.2005C>T on transcript NM_032387.5 (MANE Select); coding-DNA position 2005, C replaced by T.
Protein change: p.Arg669Trp; replaces arginine 669 with tryptophan.
Molecular consequence: missense variant.
Genome position (GRCh38, 1-based): chr17:42,788,372, C>T. VCF-style: chr17-42788372-C-T. GRCh37 (hg19) VCF-style: chr17-40940390-C-T.
Other names: c.997C>T, p.Arg333Trp (NM_001321299.2); short protein forms R669W, R333W.
Identifiers: ClinVar variation 323335 (VCV000323335.13), dbSNP rs769815091, ClinGen allele CA8584179.